The following is an entry in ClinVar:

ClinVar aggregate classification (germline): Uncertain significance (1 of 4 stars; one submission).

Conditions:
Cerebral folate transport deficiency. Also called: FOLR1-Related Cerebral Folate Transport Deficiency; Neurodegenerative syndrome due to cerebral folate transport deficiency; Cerebral folate deficiency syndrome; FOLATE RECEPTOR DEFICIENCY; NEURODEGENERATION DUE TO CEREBRAL FOLATE TRANSPORT DEFICIENCY. Identifiers: Orphanet 217382, MedGen C2751584, MONDO:0013110, OMIM 613068. Disease mechanism: loss of function.

Submission:

Labcorp Genetics (formerly Invitae), Labcorp
Classification: Uncertain significance for Cerebral folate transport deficiency. Last evaluated: 2022-06-18. Review status: criteria provided, single submitter. Criteria: Invitae Variant Classification Sherloc (09022015). Collection method: clinical testing. Allele origin: germline.
Comment: In summary, the available evidence is currently insufficient to determine the role of this variant in disease. Therefore, it has been classified as a Variant of Uncertain Significance. Algorithms developed to predict the effect of missense changes on protein structure and function (SIFT, PolyPhen-2, Align-GVGD) all suggest that this variant is likely to be disruptive. This variant has not been reported in the literature in individuals affected with FOLR1-related conditions. This variant is not present in population databases (gnomAD no frequency). This sequence change replaces tryptophan, which is neutral and slightly polar, with glycine, which is neutral and non-polar, at codon 86 of the FOLR1 protein (p.Trp86Gly).

NM_016729.3(FOLR1):c.256T>G (p.Trp86Gly)

Genes: FOLR1 (folate receptor alpha; plus strand), FOLR1-AS1 (FOLR1 antisense RNA 1; minus strand). Cytogenetic location: 11q13.4.
Variant type: single nucleotide variant.
Coding change: c.256T>G on transcript NM_016729.3 (MANE Select); coding-DNA position 256, T replaced by G.
Protein change: p.Trp86Gly; replaces tryptophan 86 with glycine.
Molecular consequence: missense variant.
Genome position (GRCh38, 1-based): chr11:72,195,358, T>G. VCF-style: chr11-72195358-T-G. GRCh37 (hg19) VCF-style: chr11-71906402-T-G.
Other names: c.256T>G, p.Trp86Gly (NM_000802.3, NM_016724.3, NM_016725.3 and 1 more transcripts); short protein forms W86G.
Identifiers: ClinVar variation 2004910 (VCV002004910.4), dbSNP rs1409176806, ClinGen allele CA381732197.